The following is an entry in ClinVar:

NM_031483.7(ITCH):c.173A>G (p.Asn58Ser)

Gene: ITCH (itchy E3 ubiquitin protein ligase; plus strand). Cytogenetic location: 20q11.22.
Variant type: single nucleotide variant.
Coding change: c.173A>G on transcript NM_031483.7 (MANE Select); coding-DNA position 173, A replaced by G.
Protein change: p.Asn58Ser; replaces asparagine 58 with serine.
Molecular consequence: missense variant. On other transcripts: intron variant (1).
Genome position (GRCh38, 1-based): chr20:34,408,753, A>G. VCF-style: chr20-34408753-A-G. GRCh37 (hg19) VCF-style: chr20-32996559-A-G.
Other names: c.173A>G, p.Asn58Ser (NM_001257137.3, NM_001324197.2, NM_001324198.2); c.-118-3762A>G (NM_001257138.3); short protein forms N58S.
Identifiers: ClinVar variation 724707 (VCV000724707.13), dbSNP rs144293716, ClinGen allele CA9821245.
Genomic context (GRCh38, chr20:34,408,753, plus strand): 5'-GACCAAGTCCTTACGTAGAGGTCACAGTAGATGGACAGTCAAAGAAGACAGAAAAATGCA[A>G]CAACACAAACAGTCCCAAGTGGAAGCAACCCCTTACAGTGTAAGCTTGGAAGTATTTTTC-3'
Protein context (NP_113671.3, residues 48-68): DGQSKKTEKC[Asn58Ser]NTNSPKWKQP

ClinVar aggregate classification (germline): Conflicting classifications of pathogenicity. Review status: criteria provided, conflicting classifications (1 of 4 stars). 3 submissions from 3 submitters: Uncertain significance (1); Likely benign (1). 1 of the submissions does not count toward it. Last evaluated 2025-11-24.

Conditions:
Syndromic multisystem autoimmune disease due to ITCH deficiency. Also called: AUTOIMMUNE DISEASE, MULTISYSTEM, WITH FACIAL DYSMORPHISM. Identifiers: Orphanet 228426, MedGen C3150649, MONDO:0013245, OMIM 613385.
ITCH-related disorder. Also called: ITCH-related condition.

Allele frequency attached by ClinVar (database versions not stated): gnomAD exomes 0.00007 and 0.00022; ExAC 0.00027; TOPMed 0.00076; gnomAD 0.00080 and 0.00092; ESP Exome Variant Server 0.00092; 1000 Genomes Project 30x 0.00094; 1000 Genomes Project 0.00100.
gnomAD v4.1: 230 of 1,614,132 alleles (0.014%); highest among the groups gnomAD compares: African/African-American, 0.27%; no homozygotes.

Submissions (3):

Labcorp Genetics (formerly Invitae), Labcorp
Classification: Likely benign for Syndromic multisystem autoimmune disease due to ITCH deficiency. Last evaluated: 2025-11-24. Review status: criteria provided, single submitter. Criteria: Invitae Variant Classification Sherloc (09022015). Collection method: clinical testing. Allele origin: germline.

Blueprint Genetics
Classification: Uncertain significance. Last evaluated: 2024-11-13. Review status: criteria provided, single submitter. Criteria: ACMG Guidelines, 2015. Collection method: clinical testing. Allele origin: germline.

PreventionGenetics, part of Exact Sciences
Classification: Likely benign for ITCH-related condition. Last evaluated: 2024-04-23. Review status: no assertion criteria provided. Collection method: clinical testing. Allele origin: germline. Not counted in ClinVar's aggregate classification.
Comment: This variant is classified as likely benign based on ACMG/AMP sequence variant interpretation guidelines (Richards et al. 2015 PMID: 25741868, with internal and published modifications).